The following is an entry in ClinVar:

ClinVar aggregate classification (germline): Uncertain significance. Review status: criteria provided, multiple submitters, no conflicts (2 of 4 stars). 2 submissions from 2 submitters: Uncertain significance (2). Last evaluated 2024-03-26.

Allele frequency attached by ClinVar (database versions not stated): gnomAD exomes 0.00001 and 0.00002; ExAC 0.00002; gnomAD 0.00005; TOPMed 0.00005; ESP Exome Variant Server 0.00008.
gnomAD v4.1: 15 of 1,609,378 alleles (0.00093%); highest among the groups gnomAD compares: African/African-American, 0.015%; no homozygotes.

Submissions (2):

Labcorp Genetics (formerly Invitae), Labcorp
Classification: Uncertain significance. Last evaluated: 2024-03-26. Review status: criteria provided, single submitter. Criteria: Invitae Variant Classification Sherloc (09022015). Collection method: clinical testing. Allele origin: germline.
Comment: This sequence change replaces glycine, which is neutral and non-polar, with arginine, which is basic and polar, at codon 626 of the CACNA2D4 protein (p.Gly626Arg). This variant is present in population databases (rs370865813, gnomAD 0.02%). This variant has not been reported in the literature in individuals affected with CACNA2D4-related conditions. ClinVar contains an entry for this variant (Variation ID: 961791). An algorithm developed to predict the effect of missense changes on protein structure and function (PolyPhen-2) suggests that this variant is likely to be disruptive. In summary, the available evidence is currently insufficient to determine the role of this variant in disease. Therefore, it has been classified as a Variant of Uncertain Significance.

Blueprint Genetics
Classification: Uncertain significance. Last evaluated: 2022-07-29. Review status: criteria provided, single submitter. Criteria: ACMG Guidelines, 2015. Collection method: clinical testing. Allele origin: germline.

NM_172364.5(CACNA2D4):c.1876G>A (p.Gly626Arg)

Gene: CACNA2D4 (calcium voltage-gated channel auxiliary subunit alpha2delta 4; minus strand). Cytogenetic location: 12p13.33.
Variant type: single nucleotide variant.
Coding change: c.1876G>A on transcript NM_172364.5 (MANE Select); coding-DNA position 1876, G replaced by A.
Protein change: p.Gly626Arg; replaces glycine 626 with arginine.
Molecular consequence: missense variant.
Genome position (GRCh38, 1-based): chr12:1,874,606, C>T on the plus strand (G>A on the coding strand, the complement: CACNA2D4 is on the minus strand). VCF-style: chr12-1874606-C-T. GRCh37 (hg19) VCF-style: chr12-1983772-C-T.
Other names: short protein forms G626R.
Identifiers: ClinVar variation 961791 (VCV000961791.8), dbSNP rs370865813, ClinGen allele CA6386964.